The following is an entry in ClinVar:

NM_005909.5(MAP1B):c.88C>T (p.His30Tyr)

Gene: MAP1B (microtubule associated protein 1B; plus strand). Cytogenetic location: 5q13.2.
Variant type: single nucleotide variant.
Coding change: c.88C>T on transcript NM_005909.5 (MANE Select); coding-DNA position 88, C replaced by T.
Protein change: p.His30Tyr; replaces histidine 30 with tyrosine.
Molecular consequence: missense variant.
Genome position (GRCh38, 1-based): chr5:72,107,619, C>T. VCF-style: chr5-72107619-C-T. GRCh37 (hg19) VCF-style: chr5-71403446-C-T.
Other names: short protein forms H30Y.
Identifiers: ClinVar variation 3390414 (VCV003390414.2).

ClinVar aggregate classification (germline): Uncertain significance (1 of 4 stars; one submission).

gnomAD v4.1: 2 of 1,599,828 alleles (0.00013%); highest among the groups gnomAD compares: Non-Finnish European, 0.00017%; no homozygotes.

Submission:

GeneDx
Classification: Uncertain significance. Last evaluated: 2026-10-01. Review status: criteria provided, single submitter. Criteria: GeneDx Variant Classification Process June 2021. Collection method: clinical testing. Allele origin: germline.
Comment: Not observed at significant frequency in large population cohorts (gnomAD); In silico analysis suggests that this missense variant does not alter protein structure/function; Has not been previously published as pathogenic or benign to our knowledge